The following is an entry in ClinVar:

NM_177559.3(CSNK2A1):c.339T>G (p.Phe113Leu)

Gene: CSNK2A1 (casein kinase 2 alpha 1; minus strand). Cytogenetic location: 20p13.
Variant type: single nucleotide variant.
Coding change: c.339T>G on transcript NM_177559.3 (MANE Select); coding-DNA position 339, T replaced by G.
Protein change: p.Phe113Leu; replaces phenylalanine 113 with leucine.
Molecular consequence: missense variant. On other transcripts: 5 prime UTR variant (1).
Genome position (GRCh38, 1-based): chr20:499,282, A>C on the plus strand (T>G on the coding strand, the complement: CSNK2A1 is on the minus strand). VCF-style: chr20-499282-A-C. GRCh37 (hg19) VCF-style: chr20-479926-A-C.
Other names: c.339T>G, p.Phe113Leu (NM_001362770.2, NM_001362771.2, NM_001895.4); c.-70T>G (NM_177560.3); short protein forms F113L.
Identifiers: ClinVar variation 4996164 (VCV004996164.1).

ClinVar aggregate classification (germline): Uncertain significance (1 of 4 stars; one submission).

Conditions:
CSNK2A1-related disorder. Also called: CSNK2A1- Related Disorders; CSNK2A1-related condition.

Submission:

PreventionGenetics, part of Exact Sciences
Classification: Uncertain significance for CSNK2A1-related condition. Last evaluated: 2025-11-24. Review status: criteria provided, single submitter. Criteria: ACMG Guidelines, 2015. Collection method: clinical testing. Allele origin: germline.
Comment: The CSNK2A1 c.339T>G variant is predicted to result in the amino acid substitution p.Phe113Leu. To our knowledge, this variant has not been reported in the literature or in a large population database (gnomAD), indicating this variant is rare. At this time, the clinical significance of this variant is uncertain due to the absence of conclusive functional and genetic evidence.